The following is an entry in ClinVar:

ClinVar aggregate classification (germline): Uncertain significance (1 of 4 stars; one submission).

Conditions:
Regional enteritis. Also called: Enteritis, Granulomatous. Identifiers: MedGen C0678202, MeSH D003424.
Blau syndrome (BLAUS). Also called: ARTHROCUTANEOUVEAL GRANULOMATOSIS; GRANULOMATOSIS, FAMILIAL JUVENILE SYSTEMIC; GRANULOMATOSIS, FAMILIAL, BLAU TYPE; GRANULOMATOUS INFLAMMATORY ARTHRITIS, DERMATITIS, AND UVEITIS, FAMILIAL; JABS SYNDROME. Identifiers: Orphanet 90340, MedGen C5201146, MONDO:0008523, OMIM 186580.

gnomAD v4.1: 1 of 1,613,558 alleles (0.000062%); highest among the groups gnomAD compares: Admixed American, 0.0017%; no homozygotes.

Submission:

Labcorp Genetics (formerly Invitae), Labcorp
Classification: Uncertain significance for Regional enteritis; Blau syndrome. Last evaluated: 2024-08-26. Review status: criteria provided, single submitter. Criteria: Invitae Variant Classification Sherloc (09022015). Collection method: clinical testing. Allele origin: germline.
Comment: This sequence change replaces lysine, which is basic and polar, with glutamine, which is neutral and polar, at codon 494 of the NOD2 protein (p.Lys494Gln). This variant is not present in population databases (gnomAD no frequency). This variant has not been reported in the literature in individuals affected with NOD2-related conditions. Invitae Evidence Modeling of protein sequence and biophysical properties (such as structural, functional, and spatial information, amino acid conservation, physicochemical variation, residue mobility, and thermodynamic stability) indicates that this missense variant is not expected to disrupt NOD2 protein function with a negative predictive value of 95%. In summary, the available evidence is currently insufficient to determine the role of this variant in disease. Therefore, it has been classified as a Variant of Uncertain Significance.

NM_001370466.1(NOD2):c.1399A>C (p.Lys467Gln)

Gene: NOD2 (nucleotide binding oligomerization domain containing 2; plus strand). Cytogenetic location: 16q12.1.
Variant type: single nucleotide variant.
Coding change: c.1399A>C on transcript NM_001370466.1 (MANE Select); coding-DNA position 1399, A replaced by C.
Protein change: p.Lys467Gln; replaces lysine 467 with glutamine.
Molecular consequence: missense variant. On other transcripts: non-coding transcript variant (1).
Genome position (GRCh38, 1-based): chr16:50,711,391, A>C. VCF-style: chr16-50711391-A-C. GRCh37 (hg19) VCF-style: chr16-50745302-A-C.
Other names: c.1399A>C, p.Lys467Gln (NM_001293557.2); c.1480A>C, p.Lys494Gln (NM_022162.3); short protein forms K467Q, K494Q.
Identifiers: ClinVar variation 3763060 (VCV003763060.2).